The following is an entry in ClinVar:

NM_000245.4(MET):c.3582T>C (p.Tyr1194=)

Gene: MET (MET proto-oncogene, receptor tyrosine kinase; plus strand). Cytogenetic location: 7q31.2.
Variant type: single nucleotide variant.
Coding change: c.3582T>C on transcript NM_000245.4 (MANE Select); coding-DNA position 3582, T replaced by C.
Protein change: p.Tyr1194=; no amino-acid change (tyrosine 1194 retained).
Molecular consequence: synonymous variant.
Genome position (GRCh38, 1-based): chr7:116,782,047, T>C. VCF-style: chr7-116782047-T-C. GRCh37 (hg19) VCF-style: chr7-116422101-T-C.
Other names: c.3636T>C, p.Tyr1212= (NM_001127500.3); c.2292T>C, p.Tyr764= (NM_001324402.2).
Identifiers: ClinVar variation 824017 (VCV000824017.14), dbSNP rs1584964312, ClinGen allele CA457219294.

ClinVar aggregate classification (germline): Benign/Likely benign. Review status: criteria provided, multiple submitters, no conflicts (2 of 4 stars). 4 submissions from 4 submitters: Benign (1); Likely benign (3). Last evaluated 2024-11-13.

Conditions:
Papillary renal cell carcinoma type 1 (RCCP1). Also called: RENAL CELL CARCINOMA, PAPILLARY, 1, SOMATIC; Renal adenocarcinoma; Renal cell carcinoma 1; Renal cell carcinoma, somatic. Identifiers: Orphanet 47044, MedGen C1336839, OMIM 605074, HP:0011797.
Renal cell carcinoma. Identifiers: Orphanet 217071, MedGen C0007134, MeSH D002292, MONDO:0005086, HP:0005584.
Hereditary cancer-predisposing syndrome. Also called: Neoplastic Syndromes, Hereditary; Tumor predisposition; Hereditary Cancer Syndrome; Hereditary neoplastic syndrome. Identifiers: Orphanet 140162, MedGen C0027672, MeSH D009386, MONDO:0015356.

Submissions (4):

Myriad Genetics, Inc.
Classification: Benign for Papillary renal cell carcinoma type 1. Last evaluated: 2024-11-13. Review status: criteria provided, single submitter. Criteria: Myriad Autosomal Dominant, Autosomal Recessive and X-Linked Classification Criteria (2023). Collection method: clinical testing. Allele origin: unknown.
Comment: This variant is considered benign. This variant is a silent/synonymous amino acid change and it is not expected to impact splicing.

Labcorp Genetics (formerly Invitae), Labcorp
Classification: Likely benign for Renal cell carcinoma. Last evaluated: 2024-08-05. Review status: criteria provided, single submitter. Criteria: Invitae Variant Classification Sherloc (09022015). Collection method: clinical testing. Allele origin: germline.

Blueprint Genetics
Classification: Likely benign. Last evaluated: 2023-07-25. Review status: criteria provided, single submitter. Criteria: ACMG Guidelines, 2015. Collection method: clinical testing. Allele origin: germline.

Ambry Genetics
Classification: Likely benign for Hereditary cancer-predisposing syndrome. Last evaluated: 2018-12-18. Review status: criteria provided, single submitter. Criteria: Ambry Variant Classification Scheme 2023. Collection method: clinical testing. Allele origin: germline.